The following is an entry in ClinVar:

NM_004006.3(DMD):c.9833C>T (p.Ala3278Val)

Gene: DMD (dystrophin; minus strand). Cytogenetic location: Xp21.2.
Variant type: single nucleotide variant.
Coding change: c.9833C>T on transcript NM_004006.3 (MANE Select); coding-DNA position 9833, C replaced by T.
Protein change: p.Ala3278Val; replaces alanine 3278 with valine.
Molecular consequence: missense variant.
Genome position (GRCh38, 1-based): chrX:31,182,879, G>A on the plus strand (C>T on the coding strand, the complement: DMD is on the minus strand). VCF-style: chrX-31182879-G-A. GRCh37 (hg19) VCF-style: chrX-31200996-G-A.
Other names: c.9809C>T, p.Ala3270Val (NM_000109.4); c.9821C>T, p.Ala3274Val (NM_004009.3); c.9464C>T, p.Ala3155Val (NM_004010.3); c.5810C>T, p.Ala1937Val (NM_004011.4); c.5801C>T, p.Ala1934Val (NM_004012.4); c.2453C>T, p.Ala818Val (NM_004013.3, NM_004020.4, NM_004021.3 and 2 more transcripts); c.1646C>T, p.Ala549Val (NM_004014.3); c.629C>T, p.Ala210Val (NM_004015.3, NM_004016.3, NM_004017.3 and 2 more transcripts); short protein forms A1934V, A3155V, A818V, A1937V, A549V, A210V, A3278V, A3270V.
Identifiers: ClinVar variation 944923 (VCV000944923.6), dbSNP rs2041311291, ClinGen allele CA412653594.
Genomic context (GRCh38, chrX:31,182,879, plus strand): 5'-AGGACGGGCAGCCACACCATGGACTGGGGTTCCAGTCTCATCCAGTCTAGGAAGAGGGCC[G>A]CTTCGATCTCTGGCTTATTATTAGCCTGCAAAGACAGGAGGGAGAGAGAAGGAGGGCAAA-3'
Protein context (NP_003997.2, residues 3268-3288): QFANNKPEIE[Ala3278Val]ALFLDWMRLE

ClinVar aggregate classification (germline): Uncertain significance. Review status: criteria provided, single submitter (1 of 4 stars). 2 submissions from 2 submitters: Uncertain significance (1). 1 of the submissions does not count toward it. Last evaluated 2025-10-18.

Conditions:
Duchenne muscular dystrophy (DMD). Also called: Duchenne Muscular Dystrophy (DMD); MUSCULAR DYSTROPHY, PSEUDOHYPERTROPHIC PROGRESSIVE, DUCHENNE TYPE. Identifiers: Orphanet 98896, MedGen C0013264, MONDO:0010679, OMIM 310200.
Cardiomyopathy (CMYO). Also called: Cardiomyopathies. Identifiers: Orphanet 167848, MedGen C0878544, MONDO:0004994, HP:0001638. Inheritance: Various modes of inheritance.
Dystrophin deficiency.
Becker muscular dystrophy (BMD). Also called: MUSCULAR DYSTROPHY, PSEUDOHYPERTROPHIC PROGRESSIVE, BECKER TYPE; Becker Muscular Dystrophy (BMD). Identifiers: Orphanet 98895, MedGen C0917713, MONDO:0010311, OMIM 300376.

Allele frequency attached by ClinVar (database versions not stated): gnomAD exomes below 0.00001.
gnomAD v4.1: 1 of 1,209,069 alleles (0.000083%); highest among the groups gnomAD compares: South Asian, 0.0018%; no homozygotes.

Submissions (2):

Labcorp Genetics (formerly Invitae), Labcorp
Classification: Uncertain significance for Duchenne muscular dystrophy. Last evaluated: 2025-10-18. Review status: criteria provided, single submitter. Criteria: Invitae Variant Classification Sherloc (09022015). Collection method: clinical testing. Allele origin: germline.
Comment: This sequence change replaces alanine, which is neutral and non-polar, with valine, which is neutral and non-polar, at codon 3278 of the DMD protein (p.Ala3278Val). This variant is not present in population databases (gnomAD no frequency). This variant has not been reported in the literature in individuals affected with DMD-related conditions. ClinVar contains an entry for this variant (Variation ID: 944923). Invitae Evidence Modeling of protein sequence and biophysical properties (such as structural, functional, and spatial information, amino acid conservation, physicochemical variation, residue mobility, and thermodynamic stability) indicates that this missense variant is not expected to disrupt DMD protein function with a negative predictive value of 95%. In summary, the available evidence is currently insufficient to determine the role of this variant in disease. Therefore, it has been classified as a Variant of Uncertain Significance.

Natera, Inc.
Classification: Uncertain significance for Becker muscular dystrophy; Cardiomyopathy; Duchenne muscular dystrophy; Dystrophin deficiency. Last evaluated: 2021-07-22. Review status: no assertion criteria provided. Collection method: clinical testing. Allele origin: germline. Not counted in ClinVar's aggregate classification.